The following is an entry in ClinVar:

ClinVar aggregate classification (germline): Pathogenic (3 of 4 stars; one submission).

Conditions:
Autosomal recessive limb-girdle muscular dystrophy. Identifiers: Orphanet 102015, MedGen C2931907, MONDO:0015152.

Submission:

ClinGen Limb Girdle Muscular Dystrophy Variant Curation Expert Panel, ClinGen
Classification: Pathogenic for Autosomal recessive limb-girdle muscular dystrophy. Last evaluated: 2025-09-30. Review status: reviewed by expert panel. Criteria: ClinGen LGMD VCEP ACMG Specifications DYSF V2.0.0. Collection method: curation. Allele origin: germline. Inheritance: Autosomal recessive inheritance.
Comment: The NC_000002.12: g.71599650_71600993del (GRCh38) variant is a deletion that encompasses exon 34 of the DYSF gene, r.3703_3843del based on NM_003494.4. RNAseq analysis in an individual with this variant demonstrated skipping of exon 34 and an inframe deletion, p.Gly1235_Lys1281del (PMID: 36983702; PVS1_Moderate_RNA). This variant has been identified in trans with a likely pathogenic or pathogenic variant in an individual with LGMD (NM_003494.4: c.3051dup p.(Ile1018HisfsTer14), 1.0 pt, PMID: 36983702) (PM3). This patient displayed progressive limb girdle muscle weakness and absent dysferlin protein expression in skeletal muscle and by blood monocyte assay, which is highly specific for DYSF-related LGMD (PP4_Strong). This variant was also reported to co-segregate with the LGMD phenotype in one affected family member, the affected sister of the proband (PP1; PMID: 36983702). Similar deletions of this exon are not observed in gnomAD SVs or CNVs v4.1.0 or in the Database of Genomic Variants (PMID: 24174537) (PM2_Supporting). In summary, this variant meets the criteria to be classified as Pathogenic for autosomal recessive limb girdle muscular dystrophy based on the ACMG/AMP criteria applied, as specified by the ClinGen LGMD VCEP (LGMD VCEP specifications version 2.0.0; 09/30/2025): PVS1_Moderate_RNA, PM3, PP4_Strong, PP1, PM2_Supporting.

NM_001130987.2(DYSF):c.3756+905_3897+151del

Gene: DYSF (dysferlin; plus strand). Cytogenetic location: 2p13.2.
Variant type: Deletion.
Coding change: c.3756+905_3897+151del on transcript NM_001130987.2 (MANE Select); 905 bases into the intron after coding-DNA position 3756 through 151 bases into the intron after coding-DNA position 3897, 1,344 bases deleted.
Molecular consequence: splice acceptor variant, splice donor variant.
Genome position (GRCh38, 1-based): chr2:71,599,650-71,600,993, 1,344 bases deleted. GRCh37 (hg19): chr2:71,826,780-71,828,123.
Other names: NM_003494.4:c.3702+905_3843+151del; c.3795+905_3936+151del (NM_001130979.2); c.3753+905_3894+151del (NM_001130981.2, NM_001130980.2); c.3702+905_3843+151del (NM_001130978.2, NM_003494.4); c.3660+905_3801+151del (NM_001130977.2, NM_001130976.2); c.3798+905_3939+151del (NM_001130982.2); c.3756+905_3897+151del (NM_001130985.2); c.3705+905_3846+151del (NM_001130983.2, NM_001130455.2); and 1 more.
Identifiers: ClinVar variation 4280328 (VCV004280328.1).